The following is an entry in ClinVar:

NM_000525.4(KCNJ11):c.1112G>A (p.Arg371His)

Gene: KCNJ11 (potassium inwardly rectifying channel subfamily J member 11; minus strand). Cytogenetic location: 11p15.1.
Variant type: single nucleotide variant.
Coding change: c.1112G>A on transcript NM_000525.4 (MANE Select); coding-DNA position 1112, G replaced by A.
Protein change: p.Arg371His; replaces arginine 371 with histidine.
Molecular consequence: missense variant.
Genome position (GRCh38, 1-based): chr11:17,386,980, C>T on the plus strand (G>A on the coding strand, the complement: KCNJ11 is on the minus strand). VCF-style: chr11-17386980-C-T. GRCh37 (hg19) VCF-style: chr11-17408527-C-T.
Other names: c.851G>A, p.Arg284His (NM_001166290.2, NM_001377296.1, NM_001377297.1); short protein forms R371H, R284H.
Identifiers: ClinVar variation 554088 (VCV000554088.3), dbSNP rs1233061680, ClinGen allele CA379769234.
Genomic context (GRCh38, chr11:17,386,980, plus strand): 5'-CAGGACAGGGAATCTGGAGAGATGCTGAACTTGGGCTTGGCCTTGGCCATGGGCACGCTG[C>T]GCTTGCGCAGGGGCCCGCGGGCTGAGGCGAGGGTCAGAGCTTCCAGTAGGCTGTGGTCCT-3'
Protein context (NP_000516.3, residues 361-381): LASARGPLRK[Arg371His]SVPMAKAKPK

ClinVar aggregate classification (germline): Uncertain significance. Review status: criteria provided, single submitter (1 of 4 stars). 2 submissions from 2 submitters: Uncertain significance (1). 1 of the submissions does not count toward it.

Conditions:
Diabetes mellitus, transient neonatal, 3 (TNDM3). Identifiers: Orphanet 99886, MedGen C1864623, MONDO:0012522, OMIM 610582. Disease mechanism: loss of function.
Hyperinsulinemic hypoglycemia, familial, 2. Also called: HYPERINSULINEMIC HYPOGLYCEMIA, PERSISTENT; HYPERINSULINISM, NEONATAL. Identifiers: Orphanet 276580, Orphanet 276603, MedGen C2931833, MONDO:0011153, OMIM 601820. Disease mechanism: loss of function.
Permanent neonatal diabetes mellitus 1. Also called: GCK-Related Permanent Neonatal Diabetes Mellitus. Identifiers: MedGen C5393570, MONDO:0100165, OMIM 606176.
Maturity-onset diabetes of the young (MODY). Also called: Maturity onset diabetes mellitus in young. Identifiers: Orphanet 552, MedGen C0342276, MONDO:0018911, HP:0004904.

Allele frequency attached by ClinVar (database versions not stated): gnomAD exomes 0.00001; TOPMed 0.00001; gnomAD 0.00003.

Submissions (2):

Clinical Genomics, Uppaluri K&H Personalized Medicine Clinic
Classification: Uncertain significance for Maturity-onset diabetes of the young. Review status: criteria provided, single submitter. Criteria: K&H Uppaluri Personalized Medicine Clinic Variant Classification & Assertion Criteria. Collection method: research. Allele origin: somatic. Inheritance: Autosomal dominant inheritance.
Comment: Mutations in KCNJ11 gene can cause decreased production and secretion of insulin. This can lead to MODY which may be responsive to oral sulfonylureas. Though prevalence of rs1233061680 of KCNJ11 gene was seen in Gestational diabetes cases, its significance in MODY remains uncertain.

Counsyl
Classification: Uncertain significance for Hyperinsulinemic hypoglycemia, familial, 2; Permanent neonatal diabetes mellitus 1; Diabetes mellitus, transient neonatal, 3. Last evaluated: 2017-09-27. Review status: no assertion criteria provided. Collection method: clinical testing. Allele origin: unknown. Not counted in ClinVar's aggregate classification.

Literature cited by the submitters: PubMed 30663027 (cited by Clinical Genomics, Uppaluri K&H Personalized Medicine Clinic); PubMed 16403845 (cited by Counsyl); PubMed 21119644 (cited by Counsyl).